The following is an entry in ClinVar:

ClinVar aggregate classification (germline): Uncertain significance (1 of 4 stars; one submission).

Conditions:
Hereditary breast ovarian cancer syndrome. Also called: Hereditary breast and ovarian cancer syndrome; Hereditary breast and ovarian cancer syndrome (HBOC); BRCA1- and BRCA2-Associated Hereditary Breast and Ovarian Cancer; Hereditary breast and ovarian cancer; Breast and ovarian cancer; Hereditary breast and/or ovarian cancer syndrome. Identifiers: Orphanet 145, MedGen C0677776, MeSH D061325, MONDO:0003582. Disease mechanism: loss of function.

Submission:

Labcorp Genetics (formerly Invitae), Labcorp
Classification: Uncertain significance for Hereditary breast ovarian cancer syndrome. Last evaluated: 2024-08-31. Review status: criteria provided, single submitter. Criteria: Invitae Variant Classification Sherloc (09022015). Collection method: clinical testing. Allele origin: germline.
Comment: This sequence change replaces lysine, which is basic and polar, with arginine, which is basic and polar, at codon 1850 of the BRCA2 protein (p.Lys1850Arg). This variant is not present in population databases (gnomAD no frequency). This variant has not been reported in the literature in individuals affected with BRCA2-related conditions. Invitae Evidence Modeling of protein sequence and biophysical properties (such as structural, functional, and spatial information, amino acid conservation, physicochemical variation, residue mobility, and thermodynamic stability) indicates that this missense variant is not expected to disrupt BRCA2 protein function with a negative predictive value of 95%. In summary, the available evidence is currently insufficient to determine the role of this variant in disease. Therefore, it has been classified as a Variant of Uncertain Significance.

NM_000059.4(BRCA2):c.5549A>G (p.Lys1850Arg)

Gene: BRCA2 (BRCA2 DNA repair associated; plus strand). Cytogenetic location: 13q13.1.
Variant type: single nucleotide variant.
Coding change: c.5549A>G on transcript NM_000059.4 (MANE Select); coding-DNA position 5549, A replaced by G.
Protein change: p.Lys1850Arg; replaces lysine 1850 with arginine.
Molecular consequence: missense variant. On other transcripts: non-coding transcript variant (1), intron variant (2).
Genome position (GRCh38, 1-based): chr13:32,339,904, A>G. VCF-style: chr13-32339904-A-G. GRCh37 (hg19) VCF-style: chr13-32914041-A-G.
Other names: c.5549A>G, p.Lys1850Arg (NM_001406719.1, NM_001406720.1, NM_001432077.1); c.1910-4654A>G (NM_001406721.1); c.425-4654A>G (NM_001406722.1); short protein forms K1850R.
Identifiers: ClinVar variation 3636495 (VCV003636495.2).